The following is an entry in ClinVar:

ClinVar aggregate classification (germline): Uncertain significance (1 of 4 stars; one submission).

Allele frequency attached by ClinVar (database versions not stated): gnomAD exomes below 0.00001.
gnomAD v4.1: 1 of 1,591,130 alleles (0.000063%); highest among the groups gnomAD compares: Non-Finnish European, 0.000085%; no homozygotes.

Submission:

Ambry Genetics
Classification: Uncertain significance. Last evaluated: 2022-04-24. Review status: criteria provided, single submitter. Criteria: Ambry Variant Classification Scheme 2023. Collection method: clinical testing. Allele origin: germline.
Comment: The p.G589V variant (also known as c.1766G>T), located in coding exon 16 of the PRKDC gene, results from a G to T substitution at nucleotide position 1766. The glycine at codon 589 is replaced by valine, an amino acid with dissimilar properties. This amino acid position is conserved. In addition, this alteration is predicted to be tolerated by in silico analysis. Since supporting evidence is limited at this time, the clinical significance of this alteration remains unclear.

NM_006904.7(PRKDC):c.1766G>T (p.Gly589Val)

Gene: PRKDC (protein kinase, DNA-activated, catalytic subunit; minus strand). Cytogenetic location: 8q11.21.
Variant type: single nucleotide variant.
Coding change: c.1766G>T on transcript NM_006904.7 (MANE Select); coding-DNA position 1766, G replaced by T.
Protein change: p.Gly589Val; replaces glycine 589 with valine.
Molecular consequence: missense variant.
Genome position (GRCh38, 1-based): chr8:47,933,030, C>A on the plus strand (G>T on the coding strand, the complement: PRKDC is on the minus strand). VCF-style: chr8-47933030-C-A. GRCh37 (hg19) VCF-style: chr8-48845590-C-A.
Other names: c.1766G>T, p.Gly589Val (NM_001081640.2); short protein forms G589V.
Identifiers: ClinVar variation 1779690 (VCV001779690.2), dbSNP rs2551879011, ClinGen allele CA371164908.